The following is an entry in ClinVar:

NC_000010.10:g.(?_73447394)_(73447486_?)del

Gene: CDH23 (cadherin related 23; plus strand). Cytogenetic location: 10q22.1.
Variant type: Deletion.
Identifiers: ClinVar variation 1454222 (VCV001454222.6).

ClinVar aggregate classification (germline): Pathogenic (1 of 4 stars; one submission).

Submission:

Labcorp Genetics (formerly Invitae), Labcorp
Classification: Pathogenic. Last evaluated: 2021-02-04. Review status: criteria provided, single submitter. Criteria: Invitae Variant Classification Sherloc (09022015). Collection method: clinical testing. Allele origin: germline.
Comment: For these reasons, this variant has been classified as Pathogenic. This variant has not been reported in the literature in individuals with CDH23-related conditions. This variant is a gross deletion of the genomic region encompassing exon(s) 19 of the CDH23 gene. This deletion is out-of-frame, and is expected to create a premature translational stop signal and result in an absent or disrupted protein product. Loss-of-function variants in CDH23 are known to be pathogenic (PMID: 11138009, 21940737).

Literature cited by the submitters: PubMed 11138009; PubMed 21940737.